The following is an entry in ClinVar:

ClinVar aggregate classification (germline): Uncertain significance (1 of 4 stars; one submission).

Conditions:
ZNF423-related disorder. Also called: ZNF423-related condition.

Submission:

PreventionGenetics, part of Exact Sciences
Classification: Uncertain significance for ZNF423-related condition. Last evaluated: 2026-09-05. Review status: criteria provided, single submitter. Criteria: ACMG Guidelines, 2015. Collection method: clinical testing. Allele origin: germline.
Comment: The ZNF423 c.3213G>C variant is predicted to result in the amino acid substitution p.Lys1071Asn. To our knowledge, this variant has not been reported in the literature or in a large population database (gnomAD), indicating this variant is rare. At this time, the clinical significance of this variant is uncertain due to the absence of conclusive functional and genetic evidence.

NM_001379286.1(ZNF423):c.3237G>C (p.Lys1079Asn)

Gene: ZNF423 (zinc finger protein 423; minus strand). Cytogenetic location: 16q12.1.
Variant type: single nucleotide variant.
Coding change: c.3237G>C on transcript NM_001379286.1 (MANE Select); coding-DNA position 3237, G replaced by C.
Protein change: p.Lys1079Asn; replaces lysine 1079 with asparagine.
Molecular consequence: missense variant.
Genome position (GRCh38, 1-based): chr16:49,635,939, C>G on the plus strand (G>C on the coding strand, the complement: ZNF423 is on the minus strand). VCF-style: chr16-49635939-C-G. GRCh37 (hg19) VCF-style: chr16-49669850-C-G.
Other names: c.3033G>C, p.Lys1011Asn (NM_001271620.2); c.2862G>C, p.Lys954Asn (NM_001330533.2); c.3213G>C, p.Lys1071Asn (NM_015069.5); short protein forms K1011N, K1071N, K1079N, K954N.
Identifiers: ClinVar variation 4996082 (VCV004996082.1).
Genomic context (GRCh38, chr16:49,635,939, plus strand): 5'-GAGGCCGTAGGGCAGCCCATTGACGTCAAGCTTCACCAGGTCCTGCTTGCTGCGGAACTC[C>G]TTGAGGCACAGGGCGCACTTGTAGAGCTTCTGCAGCCCCTGGCCATTGGGGGAGGACGCC-3'
Protein context (NP_001366215.1, residues 1069-1089): QKLYKCALCL[Lys1079Asn]EFRSKQDLVK